The following is an entry in ClinVar:

ClinVar aggregate classification (germline): Likely benign (1 of 4 stars; one submission).

Conditions:
Retinitis pigmentosa (RP). Identifiers: Orphanet 791, MedGen C0035334, MeSH D012174, MONDO:0019200, OMIM 268000. Inheritance: Autosomal dominant, autosomal recessive and X linked inheritance.

Allele frequency attached by ClinVar (database versions not stated): gnomAD 0.01105 and 0.01167; TOPMed 0.01285; 1000 Genomes Project 0.01398; 1000 Genomes Project 30x 0.01546.

Submission:

Illumina Laboratory Services, Illumina
Classification: Likely benign for Retinitis pigmentosa. Last evaluated: 2018-01-13. Review status: criteria provided, single submitter. Criteria: ICSL Variant Classification Criteria 13 December 2019. Collection method: clinical testing. Allele origin: germline.
Comment: This variant was observed in the ICSL laboratory as part of a predisposition screen in an ostensibly healthy population. It had not been previously curated by ICSL or reported in the Human Gene Mutation Database (HGMD: prior to June 1st, 2018), and was therefore a candidate for classification through an automated scoring system. Utilizing variant allele frequency, disease prevalence and penetrance estimates, and inheritance mode, an automated score was calculated to assess if this variant is too frequent to cause the disease. Based on the score and internal cut-off values, a variant classified as likely benign is not then subjected to further curation. The score for this variant resulted in a classification of likely benign for this disease.

NM_016247.4(IMPG2):c.*1595G>A

Gene: IMPG2 (interphotoreceptor matrix proteoglycan 2; minus strand). Cytogenetic location: 3q12.3.
Variant type: single nucleotide variant.
Coding change: c.*1595G>A on transcript NM_016247.4 (MANE Select); 1595 bases downstream of the stop codon, G replaced by A.
Molecular consequence: 3 prime UTR variant.
Genome position (GRCh38, 1-based): chr3:101,225,374, C>T on the plus strand (G>A on the coding strand, the complement: IMPG2 is on the minus strand). VCF-style: chr3-101225374-C-T. GRCh37 (hg19) VCF-style: chr3-100944218-C-T.
Identifiers: ClinVar variation 342301 (VCV000342301.5), dbSNP rs59589993, ClinGen allele CA10614341.